The following is an entry in ClinVar:

ClinVar aggregate classification (germline): Uncertain significance (1 of 4 stars; one submission).

Conditions:
Retinitis pigmentosa 59 (RP59). Identifiers: Orphanet 791, MedGen C3151227, MONDO:0013468, OMIM 613861.

Allele frequency attached by ClinVar (database versions not stated): gnomAD exomes 0.00001.
gnomAD v4.1: 13 of 1,613,804 alleles (0.00081%); highest among the groups gnomAD compares: Non-Finnish European, 0.001%; no homozygotes.

Submission:

Labcorp Genetics (formerly Invitae), Labcorp
Classification: Uncertain significance for Retinitis pigmentosa 59. Last evaluated: 2024-08-13. Review status: criteria provided, single submitter. Criteria: Invitae Variant Classification Sherloc (09022015). Collection method: clinical testing. Allele origin: germline.
Comment: This sequence change replaces proline, which is neutral and non-polar, with leucine, which is neutral and non-polar, at codon 26 of the DHDDS protein (p.Pro26Leu). This variant is present in population databases (no rsID available, gnomAD 0.004%). This variant has not been reported in the literature in individuals affected with DHDDS-related conditions. ClinVar contains an entry for this variant (Variation ID: 2033524). Advanced modeling of protein sequence and biophysical properties (such as structural, functional, and spatial information, amino acid conservation, physicochemical variation, residue mobility, and thermodynamic stability) performed at Invitae indicates that this missense variant is not expected to disrupt DHDDS protein function with a negative predictive value of 80%. In summary, the available evidence is currently insufficient to determine the role of this variant in disease. Therefore, it has been classified as a Variant of Uncertain Significance.

NM_205861.3(DHDDS):c.77C>T (p.Pro26Leu)

Gene: DHDDS (dehydrodolichyl diphosphate synthase subunit; plus strand). Cytogenetic location: 1p36.11.
Variant type: single nucleotide variant.
Coding change: c.77C>T on transcript NM_205861.3 (MANE Select); coding-DNA position 77, C replaced by T.
Protein change: p.Pro26Leu; replaces proline 26 with leucine.
Molecular consequence: missense variant. On other transcripts: 5 prime UTR variant (1).
Genome position (GRCh38, 1-based): chr1:26,438,181, C>T. VCF-style: chr1-26438181-C-T. GRCh37 (hg19) VCF-style: chr1-26764672-C-T.
Other names: c.77C>T, p.Pro26Leu (NM_001243564.2, NM_001243565.2, NM_024887.4); c.-226C>T (NM_001319959.2); short protein forms P26L.
Identifiers: ClinVar variation 2033524 (VCV002033524.4), dbSNP rs1347376529, ClinGen allele CA339138487.
Genomic context (GRCh38, chr1:26,438,181, plus strand): 5'-CCTGAAGAATATGAGACCTGTTCATCATTTGTCTTCCTATTCCACAGGCAGGCCCAATGC[C>T]GAAACACATTGCATTCATAATGGACGGGAACCGTCGCTATGCCAAGAAGTGCCAGGTGGA-3'
Protein context (NP_995583.1, residues 16-36): CANIIKAGPM[Pro26Leu]KHIAFIMDGN